The following is an entry in ClinVar:

NM_001172509.2(SATB2):c.580G>T (p.Glu194Ter)

Gene: SATB2 (SATB homeobox 2; minus strand). Cytogenetic location: 2q33.1.
Variant type: single nucleotide variant.
Coding change: c.580G>T on transcript NM_001172509.2 (MANE Select); coding-DNA position 580, G replaced by T.
Protein change: p.Glu194Ter; replaces glutamic acid 194 with a stop codon.
Molecular consequence: nonsense.
Genome position (GRCh38, 1-based): chr2:199,380,381, C>A on the plus strand (G>T on the coding strand, the complement: SATB2 is on the minus strand). VCF-style: chr2-199380381-C-A. GRCh37 (hg19) VCF-style: chr2-200245104-C-A.
Other names: c.580G>T, p.Glu194Ter (NM_001172517.1, NM_015265.4); short protein forms E194*.
Identifiers: ClinVar variation 4976690 (VCV004976690.1).

ClinVar aggregate classification (germline): Pathogenic (1 of 4 stars; one submission).

Submission:

GeneDx
Classification: Pathogenic. Last evaluated: 2026-03-06. Review status: criteria provided, single submitter. Criteria: GeneDx Variant Classification Process June 2021. Collection method: clinical testing. Allele origin: germline.
Comment: Reported in a patient with SATB2-associated syndrome who had epileptiform discharges on EEG but no clinical seizures; further clinical and segregation information was not provided (PMID: 32446642); Nonsense variant predicted to result in protein truncation or nonsense mediated decay in a gene for which loss of function is a known mechanism of disease; Not observed at significant frequency in large population cohorts (gnomAD); This variant is associated with the following publications: (PMID: 32446642)